The following is an entry in ClinVar:

NM_004984.4(KIF5A):c.794T>G (p.Val265Gly)

Gene: KIF5A (kinesin family member 5A; plus strand). Cytogenetic location: 12q13.3.
Variant type: single nucleotide variant.
Coding change: c.794T>G on transcript NM_004984.4 (MANE Select); coding-DNA position 794, T replaced by G.
Protein change: p.Val265Gly; replaces valine 265 with glycine.
Molecular consequence: missense variant.
Genome position (GRCh38, 1-based): chr12:57,569,042, T>G. VCF-style: chr12-57569042-T-G. GRCh37 (hg19) VCF-style: chr12-57962825-T-G.
Other names: c.527T>G, p.Val176Gly (NM_001354705.2); short protein forms V176G, V265G.
Identifiers: ClinVar variation 3767874 (VCV003767874.1).

ClinVar aggregate classification (germline): Uncertain significance (1 of 4 stars; one submission).

Conditions:
Hereditary spastic paraplegia. Also called: Familial spastic paraparesis. Identifiers: Orphanet 685, MedGen C0037773, MONDO:0019064. Disease mechanism: loss of function.

Submission:

Clinical Genetics Laboratory, Skane University Hospital Lund
Classification: Uncertain significance for Hereditary spastic paraplegia. Last evaluated: 2024-07-09. Review status: criteria provided, single submitter. Criteria: ACMG Guidelines, 2015. Collection method: clinical testing. Allele origin: germline. Affected: yes.
Comment: PM2, PP3